The following is an entry in ClinVar:

NM_183050.4(BCKDHB):c.840+1G>A

Gene: BCKDHB (branched chain keto acid dehydrogenase E1 subunit beta; plus strand). Cytogenetic location: 6q14.1.
Variant type: single nucleotide variant.
Coding change: c.840+1G>A on transcript NM_183050.4 (MANE Select); the canonical splice donor site of the intron after coding-DNA position 840, G replaced by A.
Molecular consequence: splice donor variant.
Genome position (GRCh38, 1-based): chr6:80,201,032, G>A. VCF-style: chr6-80201032-G-A. GRCh37 (hg19) VCF-style: chr6-80910749-G-A.
Other names: c.630+1G>A (NM_001318975.1); c.840+1G>A (NM_000056.5).
Identifiers: ClinVar variation 370370 (VCV000370370.6), dbSNP rs760538465, ClinGen allele CA16041097.
Genomic context (GRCh38, chr6:80,201,032, plus strand): 5'-TCCCAGGCCGAAGTCATACAGGAAGGGAGTGATGTTACTCTAGTTGCCTGGGGCACTCAG[G>A]TGAGTAGCATTGATCCCAACTGTTAAAACCTACGTTGTGCTTGGAAGCTCTCATTTTAAA-3'

ClinVar aggregate classification (germline): Likely pathogenic. Review status: criteria provided, single submitter (1 of 4 stars). 2 submissions from 2 submitters: Likely pathogenic (1). 1 of the submissions does not count toward it. Last evaluated 2023-11-07.

Conditions:
Maple syrup urine disease (MSUD). Identifiers: Orphanet 511, MedGen C0024776, MeSH D008375, MONDO:0009563. Disease mechanism: loss of function.
Maple syrup urine disease type 1A (MSUD1A). Also called: MSUD type 1A. Identifiers: MedGen C1855369, MONDO:0023691, OMIM 248600.

Allele frequency attached by ClinVar (database versions not stated): TOPMed 0.00002.

Submissions (2):

Labcorp Genetics (formerly Invitae), Labcorp
Classification: Likely pathogenic for Maple syrup urine disease. Last evaluated: 2023-11-07. Review status: criteria provided, single submitter. Criteria: Invitae Variant Classification Sherloc (09022015). Collection method: clinical testing. Allele origin: germline.
Comment: This sequence change affects a donor splice site in intron 7 of the BCKDHB gene. It is expected to disrupt RNA splicing. Variants that disrupt the donor or acceptor splice site typically lead to a loss of protein function (PMID: 16199547), and loss-of-function variants in BCKDHB are known to be pathogenic (PMID: 16786533, 22593002). This variant is not present in population databases (gnomAD no frequency). Disruption of this splice site has been observed in individual(s) with maple syrup urine disease (Invitae). ClinVar contains an entry for this variant (Variation ID: 370370). Algorithms developed to predict the effect of sequence changes on RNA splicing suggest that this variant may disrupt the consensus splice site. In summary, the currently available evidence indicates that the variant is pathogenic, but additional data are needed to prove that conclusively. Therefore, this variant has been classified as Likely Pathogenic.

Counsyl
Classification: Likely pathogenic for Maple syrup urine disease type 1A. Last evaluated: 2016-01-26. Review status: no assertion criteria provided. Collection method: clinical testing. Allele origin: unknown. Not counted in ClinVar's aggregate classification.

Literature cited by the submitters: PubMed 16199547 (cited by Labcorp Genetics (formerly Invitae), Labcorp); PubMed 16786533 (cited by Labcorp Genetics (formerly Invitae), Labcorp); PubMed 22593002 (cited by Labcorp Genetics (formerly Invitae), Labcorp).